The following is an entry in ClinVar:

NM_014363.6(SACS):c.6871G>C (p.Asp2291His)

Gene: SACS (sacsin molecular chaperone; minus strand). Cytogenetic location: 13q12.12.
Variant type: single nucleotide variant.
Coding change: c.6871G>C on transcript NM_014363.6 (MANE Select); coding-DNA position 6871, G replaced by C.
Protein change: p.Asp2291His; replaces aspartic acid 2291 with histidine.
Molecular consequence: missense variant.
Genome position (GRCh38, 1-based): chr13:23,337,005, C>G on the plus strand (G>C on the coding strand, the complement: SACS is on the minus strand). VCF-style: chr13-23337005-C-G. GRCh37 (hg19) VCF-style: chr13-23911144-C-G.
Other names: c.6430G>C, p.Asp2144His (NM_001278055.2); short protein forms D2144H, D2291H.
Identifiers: ClinVar variation 650611 (VCV000650611.6), dbSNP rs1170939021, ClinGen allele CA387520563.

ClinVar aggregate classification (germline): Uncertain significance (1 of 4 stars; one submission).

Conditions:
Spastic paraplegia. Identifiers: MedGen C0037772, HP:0001258.

Submission:

Labcorp Genetics (formerly Invitae), Labcorp
Classification: Uncertain significance for Spastic paraplegia. Last evaluated: 2021-08-26. Review status: criteria provided, single submitter. Criteria: Invitae Variant Classification Sherloc (09022015). Collection method: clinical testing. Allele origin: germline.
Comment: This sequence change replaces aspartic acid with histidine at codon 2291 of the SACS protein (p.Asp2291His). The aspartic acid residue is moderately conserved and there is a moderate physicochemical difference between aspartic acid and histidine. This variant is not present in population databases (ExAC no frequency). This variant has not been reported in the literature in individuals affected with SACS-related conditions. Algorithms developed to predict the effect of missense changes on protein structure and function are either unavailable or do not agree on the potential impact of this missense change (SIFT: "Deleterious"; PolyPhen-2: "Benign"; Align-GVGD: "Class C0"). In summary, the available evidence is currently insufficient to determine the role of this variant in disease. Therefore, it has been classified as a Variant of Uncertain Significance.